The following is an entry in ClinVar:

ClinVar aggregate classification (germline): Conflicting classifications of pathogenicity. Review status: criteria provided, conflicting classifications (1 of 4 stars). 3 submissions from 3 submitters: Pathogenic (1); Likely pathogenic (1); Uncertain significance (1). Last evaluated 2025-05-06.

Conditions:
Dermatitis, atopic, 2. Identifiers: MedGen C1853965, MONDO:0011596, OMIM 605803.
Ichthyosis vulgaris. Also called: ICHTHYOSIS SIMPLEX; Dominant ichthyosis vulgaris. Identifiers: MedGen C0079584, MONDO:0024304, OMIM 146700.

Allele frequency attached by ClinVar (database versions not stated): 1000 Genomes Project 30x 0.00016; 1000 Genomes Project 0.00020.
gnomAD v4.1: 21 of 1,613,936 alleles (0.0013%); highest among the groups gnomAD compares: South Asian, 0.012%; no homozygotes.

Submissions (3):

GeneDx
Classification: Pathogenic. Last evaluated: 2025-05-06. Review status: criteria provided, single submitter. Criteria: GeneDx Variant Classification Process June 2021. Collection method: clinical testing. Allele origin: germline. Affected: yes.
Comment: Has not been previously published as pathogenic or benign to our knowledge; Nonsense variant predicted to result in protein truncation, as the last 2350 amino acids are lost, and other loss-of-function variants have been reported downstream in HGMD; This variant is associated with the following publications: (PMID: 16444271)

Equipe Genetique des Anomalies du Developpement, Université de Bourgogne
Classification: Likely pathogenic for Ichthyosis vulgaris. Last evaluated: 2024-11-06. Review status: criteria provided, single submitter. Criteria: ACMG Guidelines, 2015. Collection method: clinical testing. Allele origin: paternal. Affected: yes.
Comment: This is a nonsense variant predicted to result in a premature stop codon at position 1712 and likely results in an absent or disrupted protein product. It was reported 21 times in gnomAD (v4.1.0) in heterozygous state. It was reported once as pathogenic in ClinVar. It was not reported in literature. Pathogenic variants in FLG are associated with ichtyosis vulgaris (autosomal dominant or recessive transmission)(OMIM #146700) and atopic dematitis (OMIM #605803). Based on the evidence outlined above, the variant was classified as likely pathogenic.

Juno Genomics, Hangzhou Juno Genomics, Inc
Classification: Uncertain significance for Dermatitis, atopic, 2; Ichthyosis vulgaris. Review status: criteria provided, single submitter. Criteria: ACMG Guidelines, 2015. Collection method: clinical testing. Allele origin: germline.
Comment: Absent from controls (or at extremely low frequency if recessive) in Genome Aggregation Database.;Null variant in a gene where loss of function (LOF) is a known mechanism of disease.

NM_002016.2(FLG):c.5134C>T (p.Arg1712Ter)

Genes: CCDST (cervical cancer associated DHX9 suppressive transcript; plus strand), FLG (filaggrin; minus strand). Cytogenetic location: 1q21.3.
Variant type: single nucleotide variant.
Coding change: c.5134C>T on transcript NM_002016.2 (MANE Select); coding-DNA position 5134, C replaced by T.
Protein change: p.Arg1712Ter; replaces arginine 1712 with a stop codon.
Molecular consequence: nonsense.
Genome position (GRCh38, 1-based): chr1:152,309,752, G>A on the plus strand (C>T on the coding strand, the complement: FLG is on the minus strand). VCF-style: chr1-152309752-G-A. GRCh37 (hg19) VCF-style: chr1-152282228-G-A.
Other names: short protein forms R1712*.
Identifiers: ClinVar variation 1329617 (VCV001329617.7), dbSNP rs188394023, ClinGen allele CA1105900.